The following is an entry in ClinVar:

ClinVar aggregate classification (germline): Pathogenic (1 of 4 stars; one submission).

Submission:

GeneDx
Classification: Pathogenic. Last evaluated: 2024-09-17. Review status: criteria provided, single submitter. Criteria: GeneDx Variant Classification Process June 2021. Collection method: clinical testing. Allele origin: germline. Affected: yes.
Comment: Not observed at significant frequency in large population cohorts (gnomAD); In silico analysis indicates that this missense variant does not alter protein structure/function; This variant is associated with the following publications: (PMID: 33597727)

NM_006087.4(TUBB4A):c.1164G>T (p.Met388Ile)

Gene: TUBB4A (tubulin beta 4A class IVa; minus strand). Cytogenetic location: 19p13.3.
Variant type: single nucleotide variant.
Coding change: c.1164G>T on transcript NM_006087.4 (MANE Select); coding-DNA position 1164, G replaced by T.
Protein change: p.Met388Ile; replaces methionine 388 with isoleucine.
Molecular consequence: missense variant.
Genome position (GRCh38, 1-based): chr19:6,495,335, C>A on the plus strand (G>T on the coding strand, the complement: TUBB4A is on the minus strand). VCF-style: chr19-6495335-C-A. GRCh37 (hg19) VCF-style: chr19-6495346-C-A.
Other names: c.1317G>T, p.Met439Ile (NM_001289123.2); c.1299G>T, p.Met433Ile (NM_001289127.2); c.1164G>T, p.Met388Ile (NM_001289129.2); c.948G>T, p.Met316Ile (NM_001289130.2, NM_001289131.2); short protein forms M316I, M388I, M433I, M439I.
Identifiers: ClinVar variation 3769850 (VCV003769850.1).